The following is an entry in ClinVar:

ClinVar aggregate classification (germline): Uncertain significance (1 of 4 stars; one submission).

gnomAD v4.1: 1 of 1,614,224 alleles (0.000062%); highest among the groups gnomAD compares: Non-Finnish European, 0.000085%; no homozygotes.

Submission:

Athena Diagnostics
Classification: Uncertain significance. Last evaluated: 2024-10-10. Review status: criteria provided, single submitter. Criteria: Athena Diagnostics Criteria. Collection method: clinical testing. Allele origin: unknown.
Comment: Available data are insufficient to determine the clinical significance of the variant at this time. This variant has not been reported in large, multi-ethnic general populations. Polyphen and MutationTaster yielded discordant predictions regarding whether this amino acid change is damaging to the protein.

NM_004977.3(KCNC3):c.1339G>A (p.Glu447Lys)

Gene: KCNC3 (potassium voltage-gated channel subfamily C member 3; minus strand). Cytogenetic location: 19q13.33.
Variant type: single nucleotide variant.
Coding change: c.1339G>A on transcript NM_004977.3 (MANE Select); coding-DNA position 1339, G replaced by A.
Protein change: p.Glu447Lys; replaces glutamic acid 447 with lysine.
Molecular consequence: missense variant.
Genome position (GRCh38, 1-based): chr19:50,323,614, C>T on the plus strand (G>A on the coding strand, the complement: KCNC3 is on the minus strand). VCF-style: chr19-50323614-C-T. GRCh37 (hg19) VCF-style: chr19-50826871-C-T.
Other names: c.1111G>A, p.Glu371Lys (NM_001372305.1); short protein forms E371K, E447K.
Identifiers: ClinVar variation 3571684 (VCV003571684.1).